The following is an entry in ClinVar:

ClinVar aggregate classification (germline): Uncertain significance (1 of 4 stars; one submission).

Submission:

Labcorp Genetics (formerly Invitae), Labcorp
Classification: Uncertain significance. Last evaluated: 2024-03-29. Review status: criteria provided, single submitter. Criteria: Invitae Variant Classification Sherloc (09022015). Collection method: clinical testing. Allele origin: germline.
Comment: This sequence change replaces alanine, which is neutral and non-polar, with valine, which is neutral and non-polar, at codon 21 of the IL18BP protein (p.Ala21Val). This variant is not present in population databases (gnomAD no frequency). This variant has not been reported in the literature in individuals affected with IL18BP-related conditions. Algorithms developed to predict the effect of missense changes on protein structure and function output the following: SIFT: "Not Available"; PolyPhen-2: "Benign"; Align-GVGD: "Not Available". The valine amino acid residue is found in multiple mammalian species, which suggests that this missense change does not adversely affect protein function. In summary, the available evidence is currently insufficient to determine the role of this variant in disease. Therefore, it has been classified as a Variant of Uncertain Significance.

NM_001039660.2(IL18BP):c.62C>T (p.Ala21Val)

Gene: IL18BP (interleukin 18 binding protein; plus strand). Cytogenetic location: 11q13.4.
Variant type: single nucleotide variant.
Coding change: c.62C>T on transcript NM_001039660.2 (MANE Select); coding-DNA position 62, C replaced by T.
Protein change: p.Ala21Val; replaces alanine 21 with valine.
Molecular consequence: missense variant.
Genome position (GRCh38, 1-based): chr11:72,000,384, C>T. VCF-style: chr11-72000384-C-T. GRCh37 (hg19) VCF-style: chr11-71711430-C-T.
Other names: c.62C>T, p.Ala21Val (NM_001039659.2, NM_001145055.1, NM_001145057.1 and 3 more transcripts); short protein forms A21V.
Identifiers: ClinVar variation 2707387 (VCV002707387.3), dbSNP rs2495827088, ClinGen allele CA381719853.